The following is an entry in ClinVar:

NM_001276270.2(MBD4):c.1350A>G (p.Pro450=)

Gene: MBD4 (methyl-CpG binding domain 4, DNA glycosylase; minus strand). Cytogenetic location: 3q21.3.
Variant type: single nucleotide variant.
Coding change: c.1350A>G on transcript NM_001276270.2 (MANE Select); coding-DNA position 1350, A replaced by G.
Protein change: p.Pro450=; no amino-acid change (proline 450 retained).
Molecular consequence: synonymous variant.
Genome position (GRCh38, 1-based): chr3:129,433,893, T>C on the plus strand (A>G on the coding strand, the complement: MBD4 is on the minus strand). VCF-style: chr3-129433893-T-C. GRCh37 (hg19) VCF-style: chr3-129152736-T-C.
Other names: c.1368A>G, p.Pro456= (NM_001276271.2, NM_001276272.2, NM_003925.3); c.414A>G, p.Pro138= (NM_001276273.2); c.1368A>G (NM_003925.2).
Identifiers: ClinVar variation 2084666 (VCV002084666.8), dbSNP rs373984872, ClinGen allele CA2605324.

ClinVar aggregate classification (germline): Benign/Likely benign. Review status: criteria provided, multiple submitters, no conflicts (2 of 4 stars). 4 submissions from 4 submitters: Benign (1); Likely benign (2). 1 of the submissions does not count toward it. Last evaluated 2026-06-11.

Conditions:
Inborn genetic diseases. Identifiers: MedGen C0950123, MeSH D030342.
MBD4-related disorder. Also called: MBD4-related condition.
Tumor predisposition syndrome 2 (TPDS2). Also called: MBD4-Related Tumor Predisposition Syndrome; MBD4-associated neoplasia syndrome (MANS); MBD4-ASSOCIATED NEOPLASIA SYNDROME. Identifiers: Orphanet 661526, MedGen C5774186, MONDO:0859267, OMIM 619975.

Allele frequency attached by ClinVar (database versions not stated): ESP Exome Variant Server 0.00008.

Submissions (4):

Myriad Genetics, Inc.
Classification: Benign for Tumor predisposition syndrome 2. Last evaluated: 2026-06-11. Review status: criteria provided, single submitter. Criteria: Myriad Autosomal Dominant, Autosomal Recessive and X-Linked Classification Criteria (2023). Collection method: clinical testing. Allele origin: unknown.
Comment: This variant is considered benign. This variant is a silent/synonymous amino acid change and it is not expected to impact splicing.

Labcorp Genetics (formerly Invitae), Labcorp
Classification: Likely benign. Last evaluated: 2026-01-20. Review status: criteria provided, single submitter. Criteria: Invitae Variant Classification Sherloc (09022015). Collection method: clinical testing. Allele origin: germline.

Ambry Genetics
Classification: Likely benign for Inborn genetic diseases. Last evaluated: 2024-12-01. Review status: criteria provided, single submitter. Criteria: Ambry Variant Classification Scheme 2023. Collection method: clinical testing. Allele origin: germline.

PreventionGenetics, part of Exact Sciences
Classification: Likely benign for MBD4-related condition. Last evaluated: 2022-02-04. Review status: no assertion criteria provided. Collection method: clinical testing. Allele origin: germline. Not counted in ClinVar's aggregate classification.
Comment: This variant is classified as likely benign based on ACMG/AMP sequence variant interpretation guidelines (Richards et al. 2015 PMID: 25741868, with internal and published modifications).